The following is an entry in ClinVar:

NM_000133.4(F9):c.83G>A (p.Cys28Tyr)

Gene: F9 (coagulation factor IX; plus strand). Cytogenetic location: Xq27.1.
Variant type: single nucleotide variant.
Coding change: c.83G>A on transcript NM_000133.4 (MANE Select); coding-DNA position 83, G replaced by A.
Protein change: p.Cys28Tyr; replaces cysteine 28 with tyrosine.
Molecular consequence: missense variant.
Genome position (GRCh38, 1-based): chrX:139,530,847, G>A. VCF-style: chrX-139530847-G-A. GRCh37 (hg19) VCF-style: chrX-138613006-G-A.
Other names: c.83G>A, p.Cys28Tyr (NM_001313913.2); short protein forms C28Y.
Identifiers: ClinVar variation 4847322 (VCV004847322.1).
Genomic context (GRCh38, chrX:139,530,847, plus strand): 5'-TGGCAGAATCACCAGGCCTCATCACCATCTGCCTTTTAGGATATCTACTCAGTGCTGAAT[G>A]TACAGGTTTGTTTCCTTTTTTAAAATACATTGAGTATGCTTGCCTTTTAGATATAGAAAT-3'
Protein context (NP_000124.1, residues 18-38): CLLGYLLSAE[Cys28Tyr]TVFLDHENAN

ClinVar aggregate classification (germline): Pathogenic (1 of 4 stars; one submission).

Conditions:
Hereditary factor IX deficiency disease (HEMB). Also called: F9 DEFICIENCY; FACTOR IX DEFICIENCY; PLASMA THROMBOPLASTIN COMPONENT DEFICIENCY; Hemophilia B; Christmas Disease. Identifiers: Orphanet 98879, MedGen C0008533, MeSH D002836, MONDO:0010604, OMIM 306900.

gnomAD v4.1: 1 of 1,196,571 alleles (0.000084%); no homozygotes.

Submission:

Women's Health and Genetics/Laboratory Corporation of America, LabCorp
Classification: Pathogenic for Hereditary factor IX deficiency disease. Last evaluated: 2026-03-31. Review status: criteria provided, single submitter. Criteria: LabCorp Variant Classification Summary - May 2015. Collection method: clinical testing. Allele origin: germline.
Comment: Variant summary: F9 c.83G>A (p.Cys28Tyr) results in a non-conservative amino acid change in the encoded protein sequence. Algorithms developed to predict the effect of missense changes on protein structure and function are either unavailable or do not agree on the potential impact of this missense change. The variant was absent in 182808 control chromosomes (gnomAD). c.83G>A has been observed in multiple individuals affected with Factor IX Deficiency (Hemophilia B) (Guo_2014, Gao_2020). These data indicate that the variant is very likely to be associated with disease. At least two publications reported experimental evidence evaluating an impact on protein function and this variant affected F9 protein function (Guo_2014, Gao_2024). The following publications have been ascertained in the context of this evaluation (PMID: 32766856, 38820490, 25251685). No submitters have cited clinical-significance assessments for this variant to ClinVar. Based on the evidence outlined above, the variant was classified as pathogenic.

Literature cited by the submitters: PubMed 32766856; PubMed 38820490; PubMed 25251685.